The following is an entry in ClinVar:

ClinVar aggregate classification (germline): Uncertain significance (1 of 4 stars; one submission).

gnomAD v4.1: 1 of 1,614,038 alleles (0.000062%); highest among the groups gnomAD compares: South Asian, 0.0011%; no homozygotes.

Submission:

Laboratorio de Genetica e Diagnostico Molecular, Hospital Israelita Albert Einstein
Classification: Uncertain significance. Last evaluated: 2022-01-04. Review status: criteria provided, single submitter. Criteria: ACMG Guidelines, 2015. Collection method: clinical testing. Allele origin: germline. Affected: yes.
Comment: ACMG classification criteria: PM2, BP4

NM_006662.3(SRCAP):c.4558A>G (p.Thr1520Ala)

Gene: SRCAP (Snf2 related CREBBP activator protein; plus strand). Cytogenetic location: 16p11.2.
Variant type: single nucleotide variant.
Coding change: c.4558A>G on transcript NM_006662.3 (MANE Select); coding-DNA position 4558, A replaced by G.
Protein change: p.Thr1520Ala; replaces threonine 1520 with alanine.
Molecular consequence: missense variant.
Genome position (GRCh38, 1-based): chr16:30,723,982, A>G. VCF-style: chr16-30723982-A-G. GRCh37 (hg19) VCF-style: chr16-30735303-A-G.
Other names: short protein forms T1520A.
Identifiers: ClinVar variation 1691055 (VCV001691055.2), dbSNP rs2151294124, ClinGen allele CA395616206.